The following is an entry in ClinVar:

ClinVar aggregate classification (germline): Uncertain significance (1 of 4 stars; one submission).

Conditions:
Deficiency of adenosine deaminase 2. Also called: Polyarteritis nodosa, childhoood-onset; Adenosine Deaminase 2 Deficiency; VASCULITIS, AUTOINFLAMMATION, IMMUNODEFICIENCY, AND HEMATOLOGIC DEFECTS SYNDROME. Identifiers: Orphanet 404553, MedGen C3887654, MONDO:0014306, OMIM 615688, MONDO:0100317.

gnomAD v4.1: 3 of 1,606,632 alleles (0.00019%); highest among the groups gnomAD compares: Non-Finnish European, 0.00026%; no homozygotes.

Submission:

Labcorp Genetics (formerly Invitae), Labcorp
Classification: Uncertain significance for Deficiency of adenosine deaminase 2. Last evaluated: 2020-03-05. Review status: criteria provided, single submitter. Criteria: Invitae Variant Classification Sherloc (09022015). Collection method: clinical testing. Allele origin: germline.
Comment: This sequence change falls in intron 6 of the ADA2 gene. It does not directly change the encoded amino acid sequence of the ADA2 protein, but it affects a nucleotide within the consensus splice site of the intron. This variant is not present in population databases (ExAC no frequency). This variant has not been reported in the literature in individuals with ADA2-related conditions. Nucleotide substitutions within the consensus splice site are a relatively common cause of aberrant splicing (PMID: 17576681, 9536098). Algorithms developed to predict the effect of sequence changes on RNA splicing suggest that this variant is not likely to affect RNA splicing, but this prediction has not been confirmed by published transcriptional studies. In summary, the available evidence is currently insufficient to determine the role of this variant in disease. Therefore, it has been classified as a Variant of Uncertain Significance.

Literature cited by the submitters: PubMed 17576681; PubMed 9536098.

NM_001282225.2(ADA2):c.972+6C>A

Gene: ADA2 (adenosine deaminase 2; minus strand). Cytogenetic location: 22q11.1.
Variant type: single nucleotide variant.
Coding change: c.972+6C>A on transcript NM_001282225.2 (MANE Select); 6 bases into the intron after coding-DNA position 972, C replaced by A.
Molecular consequence: intron variant.
Genome position (GRCh38, 1-based): chr22:17,189,936, G>T on the plus strand (C>A on the coding strand, the complement: ADA2 is on the minus strand). VCF-style: chr22-17189936-G-T. GRCh37 (hg19) VCF-style: chr22-17670826-G-T.
Other names: c.846+6C>A (NM_001282227.2, NM_001282228.2); c.612+6C>A (NM_001282229.2); c.972+6C>A (NM_001282226.2); c.249+6C>A (NM_177405.3).
Identifiers: ClinVar variation 1023894 (VCV001023894.9), dbSNP rs764925030, ClinGen allele CA638284171.